The following is an entry in ClinVar:

ClinVar aggregate classification (germline): Pathogenic/Likely pathogenic. Review status: criteria provided, multiple submitters, no conflicts (2 of 4 stars). 2 submissions from 2 submitters: Pathogenic (1); Likely pathogenic (1). Last evaluated 2023-10-09.

Conditions:
Muscular dystrophy-dystroglycanopathy (congenital with brain and eye anomalies), type A5. Also called: MUSCULAR DYSTROPHY-DYSTROGLYCANOPATHY (CONGENITAL WITH BRAIN AND EYE ANOMALIES), TYPE A, 5; WALKER-WARBURG SYNDROME OR MUSCLE-EYE-BRAIN DISEASE, FKRP-RELATED. Identifiers: Orphanet 588, Orphanet 899, MedGen C3150413, MONDO:0013157, OMIM 613153.
Walker-Warburg congenital muscular dystrophy. Also called: Muscular dystrophy-dystroglycanopathy, type A; Walker-Warburg syndrome. Identifiers: Orphanet 899, MedGen C0265221, MONDO:0000171.

Allele frequency attached by ClinVar (database versions not stated): gnomAD exomes below 0.00001.

Submissions (2):

Labcorp Genetics (formerly Invitae), Labcorp
Classification: Pathogenic for Walker-Warburg congenital muscular dystrophy. Last evaluated: 2023-10-09. Review status: criteria provided, single submitter. Criteria: Invitae Variant Classification Sherloc (09022015). Collection method: clinical testing. Allele origin: germline.
Comment: This sequence change creates a premature translational stop signal (p.Leu238Aspfs*20) in the FKRP gene. While this is not anticipated to result in nonsense mediated decay, it is expected to disrupt the last 258 amino acid(s) of the FKRP protein. This variant is not present in population databases (gnomAD no frequency). This variant has not been reported in the literature in individuals affected with FKRP-related conditions. ClinVar contains an entry for this variant (Variation ID: 1934796). This variant disrupts a region of the FKRP protein in which other variant(s) (p.Leu452Cysfs*38) have been determined to be pathogenic (Invitae). This suggests that this is a clinically significant region of the protein, and that variants that disrupt it are likely to be disease-causing. For these reasons, this variant has been classified as Pathogenic.

Baylor Genetics
Classification: Likely pathogenic for Muscular dystrophy-dystroglycanopathy (congenital with brain and eye anomalies), type A5. Last evaluated: 2023-06-01. Review status: criteria provided, single submitter. Criteria: ACMG Guidelines, 2015. Collection method: clinical testing. Allele origin: unknown.

NM_024301.5(FKRP):c.712_713del (p.Leu238fs)

Gene: FKRP (fukutin related protein; plus strand). Cytogenetic location: 19q13.32.
Variant type: Deletion.
Coding change: c.712_713del on transcript NM_024301.5 (MANE Select); coding-DNA positions 712 to 713, 2 bases deleted (TT; older notation c.712_713delTT).
Protein change: p.Leu238fs; shifts the reading frame from leucine 238.
Molecular consequence: frameshift variant.
Genome position (GRCh38, 1-based): chr19:46,756,162-46,756,163, TT deleted. VCF-style (leftmost placement, unchanged base first): chr19-46756161-CTT-C. GRCh37 (hg19) VCF-style: chr19-47259418-CTT-C.
Other names: c.712_713del, p.Leu238fs (NM_001039885.3); short protein forms L238fs.
Identifiers: ClinVar variation 1934796 (VCV001934796.6), dbSNP rs2513991192, ClinGen allele CA2576826106.